The following is an entry in ClinVar:

NM_147127.5(EVC2):c.3557+10G>A

Gene: EVC2 (EvC ciliary complex subunit 2; minus strand). Cytogenetic location: 4p16.2.
Variant type: single nucleotide variant.
Coding change: c.3557+10G>A on transcript NM_147127.5 (MANE Select); 10 bases into the intron after coding-DNA position 3557, G replaced by A.
Molecular consequence: intron variant.
Genome position (GRCh38, 1-based): chr4:5,568,434, C>T on the plus strand (G>A on the coding strand, the complement: EVC2 is on the minus strand). VCF-style: chr4-5568434-C-T. GRCh37 (hg19) VCF-style: chr4-5570161-C-T.
Other names: c.3317+10G>A (NM_001166136.2).
Identifiers: ClinVar variation 195540 (VCV000195540.34), dbSNP rs116218656, ClinGen allele CA201818.
Genomic context (GRCh38, chr4:5,568,434, plus strand): 5'-CCTTGAGGACTCATGGGGACCCTTGTGGACAGGGACGTGCCCCGGGAGGCAGCCCCTCCA[C>T]GGCACTCACCTCCGCCTGCCCACGTCGGCCTGCTCCGCTCCGCCATCGCTCTCAGCTGCG-3'

ClinVar aggregate classification (germline): Benign/Likely benign. Review status: criteria provided, multiple submitters, no conflicts (2 of 4 stars). 9 submissions from 9 submitters: Benign (8); Likely benign (1). Last evaluated 2026-05-11.

Conditions:
Curry-Hall syndrome (WAD). Also called: WEYERS ACRODENTAL DYSOSTOSIS. Identifiers: Orphanet 952, MedGen C0457013, MONDO:0008673, OMIM 193530.
Ellis-van Creveld syndrome (EVC). Also called: Chondroectodermal dysplasia; MESOECTODERMAL DYSPLASIA. Identifiers: Orphanet 289, MedGen C0013903, MONDO:0009162, OMIM 225500.

Allele frequency attached by ClinVar (database versions not stated): 1000 Genomes Project 0.00958; 1000 Genomes Project 30x 0.01077; gnomAD exomes 0.01844; ESP Exome Variant Server 0.01954; TOPMed 0.01958; gnomAD 0.02138; ExAC 0.02610.
gnomAD v4.1: 43,369 of 1,546,346 alleles (2.8%); highest among the groups gnomAD compares: Non-Finnish European, 3.4%; 737 homozygotes.

Submissions (9):

Women's Health and Genetics/Laboratory Corporation of America, LabCorp
Classification: Benign. Last evaluated: 2026-05-11. Review status: criteria provided, single submitter. Criteria: LabCorp Variant Classification Summary - May 2015. Collection method: clinical testing. Allele origin: germline.

Labcorp Genetics (formerly Invitae), Labcorp
Classification: Benign for Curry-Hall syndrome; Ellis-van Creveld syndrome. Last evaluated: 2026-02-04. Review status: criteria provided, single submitter. Criteria: Invitae Variant Classification Sherloc (09022015). Collection method: clinical testing. Allele origin: germline.

ARUP Laboratories, Molecular Genetics and Genomics, ARUP Laboratories
Classification: Benign. Last evaluated: 2025-05-20. Review status: criteria provided, single submitter. Criteria: ARUP Molecular Germline Variant Investigation Process 2024. Collection method: clinical testing. Allele origin: germline.

Blueprint Genetics
Classification: Likely benign. Last evaluated: 2024-11-26. Review status: criteria provided, single submitter. Criteria: ACMG Guidelines, 2015. Collection method: clinical testing. Allele origin: germline.

Illumina Laboratory Services, Illumina
Classification: Benign for Ellis-van Creveld syndrome. Last evaluated: 2018-01-13. Review status: criteria provided, single submitter. Criteria: ICSL Variant Classification Criteria 13 December 2019. Collection method: clinical testing. Allele origin: germline.
Comment: This variant was observed in the ICSL laboratory as part of a predisposition screen in an ostensibly healthy population. It had not been previously curated by ICSL or reported in the Human Gene Mutation Database (HGMD: prior to June 1st, 2018), and was therefore a candidate for classification through an automated scoring system. Utilizing variant allele frequency, disease prevalence and penetrance estimates, and inheritance mode, an automated score was calculated to assess if this variant is too frequent to cause the disease. Based on the score and internal cut-off values, a variant classified as benign is not then subjected to further curation. The score for this variant resulted in a classification of benign for this disease.

GeneDx
Classification: Benign. Last evaluated: 2016-03-29. Review status: criteria provided, single submitter. Criteria: GeneDx Variant Classification (06012015). Collection method: clinical testing. Allele origin: germline. Affected: yes.
Comment: This variant is considered likely benign or benign based on one or more of the following criteria: it is a conservative change, it occurs at a poorly conserved position in the protein, it is predicted to be benign by multiple in silico algorithms, and/or has population frequency not consistent with disease.

Eurofins Ntd Llc (ga)
Classification: Benign. Last evaluated: 2014-12-04. Review status: criteria provided, single submitter. Criteria: EGL Classification Definitions 2015. Collection method: clinical testing. Allele origin: germline. Observed: 3 variant alleles, 2 heterozygotes, 1 homozygote.

Breakthrough Genomics
Classification: Benign. Review status: criteria provided, single submitter. Criteria: ACMG Guidelines, 2015. Collection method: not provided. Allele origin: germline. Inheritance: Autosomal recessive inheritance. Affected: yes.

PreventionGenetics, part of Exact Sciences
Classification: Benign. Review status: criteria provided, single submitter. Criteria: ACMG Guidelines, 2015. Collection method: clinical testing. Allele origin: germline.